The following is an entry in ClinVar:

ClinVar aggregate classification (germline): Uncertain significance (1 of 4 stars; one submission).

gnomAD v4.1: 2 of 1,614,070 alleles (0.00012%); highest among the groups gnomAD compares: African/African-American, 0.0013%; no homozygotes.

Submission:

Labcorp Genetics (formerly Invitae), Labcorp
Classification: Uncertain significance. Last evaluated: 2022-07-15. Review status: criteria provided, single submitter. Criteria: Invitae Variant Classification Sherloc (09022015). Collection method: clinical testing. Allele origin: germline.
Comment: This sequence change replaces histidine, which is basic and polar, with leucine, which is neutral and non-polar, at codon 2139 of the CPLANE1 protein (p.His2139Leu). This variant is present in population databases (no rsID available, gnomAD 0.007%). This variant has not been reported in the literature in individuals affected with CPLANE1-related conditions. Advanced modeling of protein sequence and biophysical properties (such as structural, functional, and spatial information, amino acid conservation, physicochemical variation, residue mobility, and thermodynamic stability) performed at Invitae indicates that this missense variant is not expected to disrupt CPLANE1 protein function. In summary, the available evidence is currently insufficient to determine the role of this variant in disease. Therefore, it has been classified as a Variant of Uncertain Significance.

NM_001384732.1(CPLANE1):c.6416A>T (p.His2139Leu)

Gene: CPLANE1 (ciliogenesis and planar polarity effector complex subunit 1; minus strand). Cytogenetic location: 5p13.2.
Variant type: single nucleotide variant.
Coding change: c.6416A>T on transcript NM_001384732.1 (MANE Select); coding-DNA position 6416, A replaced by T.
Protein change: p.His2139Leu; replaces histidine 2139 with leucine.
Molecular consequence: missense variant.
Genome position (GRCh38, 1-based): chr5:37,170,087, T>A on the plus strand (A>T on the coding strand, the complement: CPLANE1 is on the minus strand). VCF-style: chr5-37170087-T-A. GRCh37 (hg19) VCF-style: chr5-37170189-T-A.
Other names: c.6416A>T, p.His2139Leu (NM_023073.4); short protein forms H2139L.
Identifiers: ClinVar variation 1943681 (VCV001943681.2), dbSNP rs1017787313, ClinGen allele CA359481366.
Genomic context (GRCh38, chr5:37,170,087, plus strand): 5'-TTTACATACATTACCTGTACGTTTCCAGTACTATTTTGACCAGATGGGATAGTTCCTTCA[T>A]GGCAGTGTGGGCTGTTCTTGCGAGGCTCTCTGGCGTTCTCTCCCATTGACTGTGGTTTAA-3'
Protein context (NP_001371661.1, residues 2129-2149): REPRKNSPHC[His2139Leu]EGTIPSGQNS